The following is an entry in ClinVar:

ClinVar aggregate classification (germline): Benign. Review status: criteria provided, multiple submitters, no conflicts (2 of 4 stars). 3 submissions from 3 submitters: Benign (3). Last evaluated 2026-02-02.

Allele frequency attached by ClinVar (database versions not stated): TOPMed 0.01321; gnomAD 0.01497 and 0.01557; 1000 Genomes Project 30x 0.01562; 1000 Genomes Project 0.01617; gnomAD exomes 0.01846 and 0.02279; ExAC 0.01860; ESP Exome Variant Server 0.01863.
gnomAD v4.1: 35,255 of 1,600,498 alleles (2.2%); highest among the groups gnomAD compares: South Asian, 3%; 481 homozygotes.

Submissions (3):

Labcorp Genetics (formerly Invitae), Labcorp
Classification: Benign. Last evaluated: 2026-02-02. Review status: criteria provided, single submitter. Criteria: Invitae Variant Classification Sherloc (09022015). Collection method: clinical testing. Allele origin: germline.

Mayo Clinic Laboratories, Mayo Clinic
Classification: Benign. Last evaluated: 2024-09-27. Review status: criteria provided, single submitter. Criteria: ACMG Guidelines, 2015. Collection method: clinical testing. Allele origin: germline. Observed: 6 variant alleles.
Comment: BS1, BS2, BP4

Breakthrough Genomics
Classification: Benign. Review status: criteria provided, single submitter. Criteria: ACMG Guidelines, 2015. Collection method: not provided. Allele origin: germline. Inheritance: Autosomal recessive inheritance. Affected: yes.

NM_014804.3(KIAA0753):c.2778A>G (p.Ile926Met)

Gene: KIAA0753 (KIAA0753; minus strand). Cytogenetic location: 17p13.1.
Variant type: single nucleotide variant.
Coding change: c.2778A>G on transcript NM_014804.3 (MANE Select); coding-DNA position 2778, A replaced by G.
Protein change: p.Ile926Met; replaces isoleucine 926 with methionine.
Molecular consequence: missense variant. On other transcripts: non-coding transcript variant (3).
Genome position (GRCh38, 1-based): chr17:6,589,787, T>C on the plus strand (A>G on the coding strand, the complement: KIAA0753 is on the minus strand). VCF-style: chr17-6589787-T-C. GRCh37 (hg19) VCF-style: chr17-6493107-T-C.
Other names: p.Ile926Met; c.1881A>G, p.Ile627Met (NM_001351225.2); short protein forms I627M, I926M.
Identifiers: ClinVar variation 1667710 (VCV001667710.10), dbSNP rs61735435, ClinGen allele CA8330053.